The following is an entry in ClinVar:

NM_206933.4(USH2A):c.10388-1G>A

Gene: USH2A (usherin; minus strand). Cytogenetic location: 1q41.
Variant type: single nucleotide variant.
Coding change: c.10388-1G>A on transcript NM_206933.4 (MANE Select); the canonical splice acceptor site of the intron before coding-DNA position 10388, G replaced by A.
Molecular consequence: splice acceptor variant.
Genome position (GRCh38, 1-based): chr1:215,782,936, C>T on the plus strand (G>A on the coding strand, the complement: USH2A is on the minus strand). VCF-style: chr1-215782936-C-T. GRCh37 (hg19) VCF-style: chr1-215956278-C-T.
Identifiers: ClinVar variation 557493 (VCV000557493.10), dbSNP rs1553261478, ClinGen allele CA344838261.

ClinVar aggregate classification (germline): Pathogenic. Review status: criteria provided, multiple submitters, no conflicts (2 of 4 stars). 6 submissions from 5 submitters: Pathogenic (5). 1 of the submissions does not count toward it. Last evaluated 2024-12-30.

Conditions:
Usher syndrome type 2A. Also called: RETINAL DISEASE IN USHER SYNDROME TYPE IIA, MODIFIER OF; USHER SYNDROME, TYPE IIA. Identifiers: Orphanet 231178, Orphanet 886, MedGen C1848634, MONDO:0010169, OMIM 276901.
Retinitis pigmentosa 39 (RP39). Identifiers: Orphanet 791, MedGen C3151138, MONDO:0013436, OMIM 613809.

Submissions (6):

Labcorp Genetics (formerly Invitae), Labcorp
Classification: Pathogenic. Last evaluated: 2024-12-30. Review status: criteria provided, single submitter. Criteria: Invitae Variant Classification Sherloc (09022015). Collection method: clinical testing. Allele origin: germline.
Comment: This sequence change affects an acceptor splice site in intron 52 of the USH2A gene. It is expected to disrupt RNA splicing. Variants that disrupt the donor or acceptor splice site typically lead to a loss of protein function (PMID: 16199547), and loss-of-function variants in USH2A are known to be pathogenic (PMID: 10729113, 10909849, 20507924, 25649381). This variant is not present in population databases (gnomAD no frequency). Disruption of this splice site has been observed in individual(s) with clinical features of Usher syndrome (PMID: 28944237). ClinVar contains an entry for this variant (Variation ID: 557493). Algorithms developed to predict the effect of sequence changes on RNA splicing suggest that this variant may disrupt the consensus splice site. For these reasons, this variant has been classified as Pathogenic.

Fulgent Genetics
Classification: Pathogenic for Usher syndrome type 2A; Retinitis pigmentosa 39. Last evaluated: 2024-03-08. Review status: criteria provided, single submitter. Criteria: ACMG Guidelines, 2015. Collection method: clinical testing. Allele origin: germline.

Baylor Genetics
Classification: Pathogenic for Retinitis pigmentosa 39. Last evaluated: 2023-05-04. Review status: criteria provided, single submitter. Criteria: ACMG Guidelines, 2015. Collection method: clinical testing. Allele origin: unknown.

Genome-Nilou Lab
Classification: Pathogenic for Retinitis pigmentosa 39. Last evaluated: 2023-04-11. Review status: criteria provided, single submitter. Criteria: ACMG Guidelines, 2015. Collection method: clinical testing. Allele origin: germline. Affected: no.

Genome-Nilou Lab
Classification: Pathogenic for Usher syndrome type 2A. Last evaluated: 2023-04-11. Review status: criteria provided, single submitter. Criteria: ACMG Guidelines, 2015. Collection method: clinical testing. Allele origin: germline. Affected: no.

Counsyl
Classification: Pathogenic for Usher syndrome type 2A; Retinitis pigmentosa 39. Last evaluated: 2018-03-27. Review status: no assertion criteria provided. Collection method: clinical testing. Allele origin: unknown. Not counted in ClinVar's aggregate classification.

Literature cited by the submitters: PubMed 16199547 (cited by Labcorp Genetics (formerly Invitae), Labcorp); PubMed 10729113 (cited by Labcorp Genetics (formerly Invitae), Labcorp); PubMed 10909849 (cited by Labcorp Genetics (formerly Invitae), Labcorp); PubMed 20507924 (cited by Labcorp Genetics (formerly Invitae), Labcorp); PubMed 25649381 (cited by Labcorp Genetics (formerly Invitae), Labcorp); PubMed 28944237 (cited by Labcorp Genetics (formerly Invitae), Labcorp and Counsyl).